The following is an entry in ClinVar:

ClinVar aggregate classification (germline): Uncertain significance (1 of 4 stars; one submission).

gnomAD v4.1: 7 of 1,609,642 alleles (0.00043%); highest among the groups gnomAD compares: Non-Finnish European, 0.00059%; no homozygotes.

Submission:

Labcorp Genetics (formerly Invitae), Labcorp
Classification: Uncertain significance. Last evaluated: 2025-03-11. Review status: criteria provided, single submitter. Criteria: Invitae Variant Classification Sherloc (09022015). Collection method: clinical testing. Allele origin: germline.
Comment: This sequence change replaces methionine, which is neutral and non-polar, with arginine, which is basic and polar, at codon 560 of the DDX58 protein (p.Met560Arg). This variant is present in population databases (no rsID available, gnomAD 0.0009%). This variant has not been reported in the literature in individuals affected with DDX58-related conditions. Invitae Evidence Modeling of protein sequence and biophysical properties (such as structural, functional, and spatial information, amino acid conservation, physicochemical variation, residue mobility, and thermodynamic stability) indicates that this missense variant is not expected to disrupt DDX58 protein function with a negative predictive value of 80%. In summary, the available evidence is currently insufficient to determine the role of this variant in disease. Therefore, it has been classified as a Variant of Uncertain Significance.

NM_014314.4(RIGI):c.1679T>G (p.Met560Arg)

Gene: RIGI (RNA sensor RIG-I; minus strand). Cytogenetic location: 9p21.1.
Variant type: single nucleotide variant.
Coding change: c.1679T>G on transcript NM_014314.4 (MANE Select); coding-DNA position 1679, T replaced by G.
Protein change: p.Met560Arg; replaces methionine 560 with arginine.
Molecular consequence: missense variant.
Genome position (GRCh38, 1-based): chr9:32,480,314, A>C on the plus strand (T>G on the coding strand, the complement: RIGI is on the minus strand). VCF-style: chr9-32480314-A-C. GRCh37 (hg19) VCF-style: chr9-32480312-A-C.
Other names: c.1673T>G, p.Met558Arg (NM_001385907.1); c.1679T>G, p.Met560Arg (NM_001385909.1); c.1238T>G, p.Met413Arg (NM_001385910.1); c.1070T>G, p.Met357Arg (NM_001385912.1); c.1664T>G, p.Met555Arg (NM_001385913.1); c.1235T>G, p.Met412Arg (NM_001385914.1); short protein forms M555R, M357R, M413R, M560R, M412R, M558R.
Identifiers: ClinVar variation 4762033 (VCV004762033.1).